The following is an entry in ClinVar:

ClinVar aggregate classification (germline): Uncertain significance. Review status: criteria provided, multiple submitters, no conflicts (2 of 4 stars). 2 submissions from 2 submitters: Uncertain significance (2). Last evaluated 2025-02-22.

Conditions:
Cardiovascular phenotype. Identifiers: MedGen CN230736.

gnomAD v4.1: 4 of 1,613,958 alleles (0.00025%); highest among the groups gnomAD compares: Non-Finnish European, 0.00025%; no homozygotes.

Submissions (2):

Ambry Genetics
Classification: Uncertain significance for Cardiovascular phenotype. Last evaluated: 2025-02-22. Review status: criteria provided, single submitter. Criteria: Ambry Variant Classification Scheme 2023. Collection method: clinical testing. Allele origin: germline.
Comment: The p.E1575Q variant (also known as c.4723G>C), located in coding exon 31 of the MYH6 gene, results from a G to C substitution at nucleotide position 4723. The glutamic acid at codon 1575 is replaced by glutamine, an amino acid with highly similar properties. This amino acid position is conserved. In addition, the in silico prediction for this alteration is inconclusive. Since supporting evidence is limited at this time, the clinical significance of this alteration remains unclear.

GeneDx
Classification: Uncertain significance. Last evaluated: 2024-12-16. Review status: criteria provided, single submitter. Criteria: GeneDx Variant Classification Process June 2021. Collection method: clinical testing. Allele origin: germline. Affected: yes.
Comment: Not observed at significant frequency in large population cohorts (gnomAD); In silico analysis indicates that this missense variant does not alter protein structure/function; Has not been previously published as pathogenic or benign to our knowledge

NM_002471.4(MYH6):c.4723G>C (p.Glu1575Gln)

Genes: MYH6 (myosin heavy chain 6; minus strand), LOC126861896 (BRD4-independent group 4 enhancer GRCh37_chr14:23854904-23856103; plus strand). Cytogenetic location: 14q11.2.
Variant type: single nucleotide variant.
Coding change: c.4723G>C on transcript NM_002471.4 (MANE Select); coding-DNA position 4723, G replaced by C.
Protein change: p.Glu1575Gln; replaces glutamic acid 1575 with glutamine.
Molecular consequence: missense variant.
Genome position (GRCh38, 1-based): chr14:23,386,551, C>G on the plus strand (G>C on the coding strand, the complement: MYH6 is on the minus strand). VCF-style: chr14-23386551-C-G. GRCh37 (hg19) VCF-style: chr14-23855760-C-G.
Other names: short protein forms E1575Q.
Identifiers: ClinVar variation 2452903 (VCV002452903.4), dbSNP rs371067114, ClinGen allele CA388992711.